The following is an entry in ClinVar:

NM_018127.7(ELAC2):c.432+1G>A

Gene: ELAC2 (elaC ribonuclease Z 2; minus strand). Cytogenetic location: 17p12.
Variant type: single nucleotide variant.
Coding change: c.432+1G>A on transcript NM_018127.7 (MANE Select); the canonical splice donor site of the intron after coding-DNA position 432, G replaced by A.
Molecular consequence: splice donor variant.
Genome position (GRCh38, 1-based): chr17:13,015,767, C>T on the plus strand (G>A on the coding strand, the complement: ELAC2 is on the minus strand). VCF-style: chr17-13015767-C-T. GRCh37 (hg19) VCF-style: chr17-12919084-C-T.
Other names: c.432+1G>A (NM_001165962.2, NM_173717.2).
Identifiers: ClinVar variation 1490493 (VCV001490493.6), dbSNP rs769454280, ClinGen allele CA8401677.

ClinVar aggregate classification (germline): Likely pathogenic (1 of 4 stars; one submission).

Conditions:
Combined oxidative phosphorylation defect type 17. Also called: Combined oxidative phosphorylation deficiency 17. Identifiers: Orphanet 369913, MedGen C3809526, MONDO:0014190, OMIM 615440.

Allele frequency attached by ClinVar (database versions not stated): ExAC 0.00001; gnomAD 0.00001; gnomAD exomes 0.00001 and 0.00002.
gnomAD v4.1: 16 of 1,612,340 alleles (0.00099%); highest among the groups gnomAD compares: Non-Finnish European, 0.0014%; no homozygotes.

Submission:

Labcorp Genetics (formerly Invitae), Labcorp
Classification: Likely pathogenic for Combined oxidative phosphorylation defect type 17. Last evaluated: 2025-08-31. Review status: criteria provided, single submitter. Criteria: Invitae Variant Classification Sherloc (09022015). Collection method: clinical testing. Allele origin: germline.
Comment: This sequence change affects a donor splice site in intron 4 of the ELAC2 gene. It is expected to disrupt RNA splicing. Variants that disrupt the donor or acceptor splice site typically lead to a loss of protein function (PMID: 16199547), and loss-of-function variants in ELAC2 are known to be pathogenic (PMID: 27769300, 31045291). This variant is present in population databases (rs769454280, gnomAD 0.005%). This variant has not been reported in the literature in individuals affected with ELAC2-related conditions. ClinVar contains an entry for this variant (Variation ID: 1490493). Algorithms developed to predict the effect of sequence changes on RNA splicing suggest that this variant may disrupt the consensus splice site. In summary, the currently available evidence indicates that the variant is pathogenic, but additional data are needed to prove that conclusively. Therefore, this variant has been classified as Likely Pathogenic.

Literature cited by the submitters: PubMed 16199547; PubMed 27769300; PubMed 31045291.